The following is an entry in ClinVar:

ClinVar aggregate classification (germline): Likely pathogenic (1 of 4 stars; one submission).

Submission:

Labcorp Genetics (formerly Invitae), Labcorp
Classification: Likely pathogenic. Last evaluated: 2021-08-09. Review status: criteria provided, single submitter. Criteria: Invitae Variant Classification Sherloc (09022015). Collection method: clinical testing. Allele origin: germline.
Comment: This variant is not present in population databases (ExAC no frequency). In summary, the currently available evidence indicates that the variant is pathogenic, but additional data are needed to prove that conclusively. Therefore, this variant has been classified as Likely Pathogenic. Algorithms developed to predict the effect of sequence changes on RNA splicing suggest that this variant may disrupt the consensus splice site. This variant has not been reported in the literature in individuals affected with VPS13A-related conditions. This sequence change affects a donor splice site in intron 32 of the VPS13A gene. It is expected to disrupt RNA splicing. Variants that disrupt the donor or acceptor splice site typically lead to a loss of protein function (PMID: 16199547), and loss-of-function variants in VPS13A are known to be pathogenic (PMID: 12404112, 21598378).

Literature cited by the submitters: PubMed 16199547; PubMed 12404112; PubMed 21598378.

NM_033305.3(VPS13A):c.3507+1G>A

Gene: VPS13A (vacuolar protein sorting 13 homolog A; plus strand). Cytogenetic location: 9q21.2.
Variant type: single nucleotide variant.
Coding change: c.3507+1G>A on transcript NM_033305.3 (MANE Select); the canonical splice donor site of the intron after coding-DNA position 3507, G replaced by A.
Molecular consequence: splice donor variant.
Genome position (GRCh38, 1-based): chr9:77,293,509, G>A. VCF-style: chr9-77293509-G-A. GRCh37 (hg19) VCF-style: chr9-79908425-G-A.
Other names: c.3390+1G>A (NM_001018037.2); c.3507+1G>A (NM_015186.4, NM_001018038.3).
Identifiers: ClinVar variation 1505224 (VCV001505224.6), dbSNP rs2131372085, ClinGen allele CA373849405.